The following is an entry in ClinVar:

NM_006755.2(TALDO1):c.784_785delinsTT (p.Glu262Leu)

Gene: TALDO1 (transaldolase 1; plus strand). Cytogenetic location: 11p15.5.
Variant type: Indel.
Coding change: c.784_785delinsTT on transcript NM_006755.2 (MANE Select); coding-DNA positions 784 to 785, GA replaced by TT.
Protein change: p.Glu262Leu; replaces glutamic acid 262 with leucine.
Molecular consequence: missense variant.
Genome position (GRCh38, 1-based): chr11:763,893-763,894, GA replaced by TT. VCF-style: chr11-763893-GA-TT. GRCh37 (hg19) VCF-style: chr11-763893-GA-TT.
Other names: short protein forms E262L.
Identifiers: ClinVar variation 5004985 (VCV005004985.2).

ClinVar aggregate classification (germline): Uncertain significance (1 of 4 stars; one submission).

Conditions:
Deficiency of transaldolase. Also called: EYAID SYNDROME. Identifiers: Orphanet 101028, MedGen C1291329, MONDO:0011624, OMIM 606003.

Submission:

Juno Genomics, Hangzhou Juno Genomics, Inc
Classification: Uncertain significance for Deficiency of transaldolase. Review status: criteria provided, single submitter. Criteria: ACMG Guidelines, 2015. Collection method: clinical testing. Allele origin: germline.
Comment: Absent from controls (or at extremely low frequency if recessive) in Genome Aggregation Database.